The following is an entry in ClinVar:

ClinVar aggregate classification (germline): Likely benign (0 of 4 stars; one submission).

Conditions:
ANXA11-related disorder. Also called: ANXA11-related condition.

gnomAD v4.1: 1 of 1,613,992 alleles (0.000062%); highest among the groups gnomAD compares: Non-Finnish European, 0.000085%; no homozygotes.

Submission:

PreventionGenetics, part of Exact Sciences
Classification: Likely benign for ANXA11-related condition. Last evaluated: 2023-03-22. Review status: no assertion criteria provided. Collection method: clinical testing. Allele origin: germline.
Comment: This variant is classified as likely benign based on ACMG/AMP sequence variant interpretation guidelines (Richards et al. 2015 PMID: 25741868, with internal and published modifications).

NM_145868.2(ANXA11):c.55+5G>C

Gene: ANXA11 (annexin A11; minus strand). Cytogenetic location: 10q22.3.
Variant type: single nucleotide variant.
Coding change: c.55+5G>C on transcript NM_145868.2 (MANE Select); 5 bases into the intron after coding-DNA position 55, G replaced by C.
Molecular consequence: intron variant.
Genome position (GRCh38, 1-based): chr10:80,172,802, C>G on the plus strand (G>C on the coding strand, the complement: ANXA11 is on the minus strand). VCF-style: chr10-80172802-C-G. GRCh37 (hg19) VCF-style: chr10-81932558-C-G.
Other names: c.55+5G>C (NM_001278407.2, NM_001157.3, NM_145869.2 and 1 more transcripts); c.-314+5G>C (NM_001278409.2).
Identifiers: ClinVar variation 3356652 (VCV003356652.1).